The following is an entry in ClinVar:

ClinVar aggregate classification (germline): Uncertain significance (1 of 4 stars; one submission).

Conditions:
KBG syndrome (KBGS). Also called: ANKRD11-Related KBG Syndrome. Identifiers: Orphanet 2332, MedGen C0220687, MONDO:0007846, OMIM 148050.

Submission:

Labcorp Genetics (formerly Invitae), Labcorp
Classification: Uncertain significance for KBG syndrome. Last evaluated: 2023-04-04. Review status: criteria provided, single submitter. Criteria: Invitae Variant Classification Sherloc (09022015). Collection method: clinical testing. Allele origin: germline.
Comment: Advanced modeling of protein sequence and biophysical properties (such as structural, functional, and spatial information, amino acid conservation, physicochemical variation, residue mobility, and thermodynamic stability) has been performed at Invitae for this missense variant, however the output from this modeling did not meet the statistical confidence thresholds required to predict the impact of this variant on ANKRD11 protein function. In summary, the available evidence is currently insufficient to determine the role of this variant in disease. Therefore, it has been classified as a Variant of Uncertain Significance. This sequence change replaces cysteine, which is neutral and slightly polar, with tyrosine, which is neutral and polar, at codon 2530 of the ANKRD11 protein (p.Cys2530Tyr). This variant is not present in population databases (gnomAD no frequency). This variant has not been reported in the literature in individuals affected with ANKRD11-related conditions.

NM_013275.6(ANKRD11):c.7589G>A (p.Cys2530Tyr)

Gene: ANKRD11 (ankyrin repeat domain 11; minus strand). Cytogenetic location: 16q24.3.
Variant type: single nucleotide variant.
Coding change: c.7589G>A on transcript NM_013275.6 (MANE Select); coding-DNA position 7589, G replaced by A.
Protein change: p.Cys2530Tyr; replaces cysteine 2530 with tyrosine.
Molecular consequence: missense variant.
Genome position (GRCh38, 1-based): chr16:89,274,938, C>T on the plus strand (G>A on the coding strand, the complement: ANKRD11 is on the minus strand). VCF-style: chr16-89274938-C-T. GRCh37 (hg19) VCF-style: chr16-89341346-C-T.
Other names: c.7589G>A, p.Cys2530Tyr (NM_001256182.2, NM_001256183.2); short protein forms C2530Y.
Identifiers: ClinVar variation 2846722 (VCV002846722.3), dbSNP rs1597411259, ClinGen allele CA397147719.